The following is an entry in ClinVar:

NM_030813.6(CLPB):c.676A>G (p.Ile226Val)

Gene: CLPB (ClpB family mitochondrial disaggregase; minus strand). Cytogenetic location: 11q13.4.
Variant type: single nucleotide variant.
Coding change: c.676A>G on transcript NM_030813.6 (MANE Plus Clinical); coding-DNA position 676, A replaced by G.
Protein change: p.Ile226Val; replaces isoleucine 226 with valine.
Molecular consequence: missense variant. On other transcripts: intron variant (2).
Genome position (GRCh38, 1-based): chr11:72,372,985, T>C on the plus strand (A>G on the coding strand, the complement: CLPB is on the minus strand). VCF-style: chr11-72372985-T-C. GRCh37 (hg19) VCF-style: chr11-72084029-T-C.
Other names: c.541A>G, p.Ile181Val (NM_001258394.3); c.559+7296A>G (NM_001258393.3); c.646+7296A>G (NM_001258392.3); short protein forms I181V, I226V.
Identifiers: ClinVar variation 3024993 (VCV003024993.22), dbSNP rs769030277, ClinGen allele CA381962521.
Genomic context (GRCh38, chr11:72,372,985, plus strand): 5'-CGCCAGCGGGGAGTCCTAGCCATCTCCTGAACTCCAGGGCACTTGTCCACTGGTTTGTGA[T>C]GTGCCGGCTTGCACCGTCCTGTCCCCCATCTGAAGACACAGAGATGGGGAGGTCAGCTGG-3'
Protein context (NP_110440.1, residues 216-236): DGGQDGASRH[Ile226Val]TNQWTSALEF

ClinVar aggregate classification (germline): Uncertain significance (1 of 4 stars; one submission).

gnomAD v4.1: 3 of 1,614,138 alleles (0.00019%); highest among the groups gnomAD compares: Middle Eastern, 0.016%; no homozygotes.

Submission:

CeGaT Center for Human Genetics Tuebingen
Classification: Uncertain significance. Last evaluated: 2024-02-01. Review status: criteria provided, single submitter. Criteria: CeGaT Center For Human Genetics Tuebingen Variant Classification Criteria Version 2. Collection method: clinical testing. Allele origin: germline. Affected: yes. Observed: 1 variant allele.
Comment: CLPB: PM2, BP4